The following is an entry in ClinVar:

ClinVar aggregate classification (germline): Likely pathogenic (1 of 4 stars; one submission).

Conditions:
Autosomal recessive limb-girdle muscular dystrophy type 2J (LGMDR10). Also called: Limb-girdle muscular dystrophy, type 2J; MUSCULAR DYSTROPHY, LIMB-GIRDLE, AUTOSOMAL RECESSIVE 10. Identifiers: Orphanet 140922, MedGen C1837342, MONDO:0012127, OMIM 608807.
Dilated cardiomyopathy 1G (CMD1G). Identifiers: Orphanet 154, MedGen C1858763, MONDO:0011400, OMIM 604145.

Submission:

Labcorp Genetics (formerly Invitae), Labcorp
Classification: Likely pathogenic for Dilated cardiomyopathy 1G; Autosomal recessive limb-girdle muscular dystrophy type 2J. Last evaluated: 2023-11-22. Review status: criteria provided, single submitter. Criteria: Invitae Variant Classification Sherloc (09022015). Collection method: clinical testing. Allele origin: germline.
Comment: This sequence change creates a premature translational stop signal (p.Ala2980Leufs*11) in the TTN gene. While this is not anticipated to result in nonsense mediated decay, it is expected to create a truncated TTN protein. This variant is not present in population databases (gnomAD no frequency). This variant has not been reported in the literature in individuals affected with TTN-related conditions. This variant is located in the I band of TTN (PMID: 25589632). Truncating variants in this region have been reported in individuals affected with autosomal recessive centronuclear myopathy (PMID: 23975875). Truncating variants in this region have also been identified in individuals affected with autosomal dominant dilated cardiomyopathy and/or cardio-related conditions (PMID: 27869827, 32964742). In summary, the currently available evidence indicates that the variant is pathogenic, but additional data are needed to prove that conclusively. Therefore, this variant has been classified as Likely Pathogenic.

Literature cited by the submitters: PubMed 25589632; PubMed 23975875; PubMed 27869827; PubMed 32964742.

NM_001267550.2(TTN):c.8938del (p.Ala2980fs)

Gene: TTN (titin; minus strand). Cytogenetic location: 2q31.2.
Variant type: Deletion.
Coding change: c.8938del on transcript NM_001267550.2 (MANE Select); coding-DNA position 8938, one base deleted (G; older notation c.8938delG).
Protein change: p.Ala2980fs; shifts the reading frame from alanine 2980.
Molecular consequence: frameshift variant.
Genome position (GRCh38, 1-based): chr2:178,768,898, C deleted on the plus strand (G on the coding strand, the reverse complement: TTN is on the minus strand). VCF-style (leftmost placement, unchanged base first): chr2-178768897-GC-G. GRCh37 (hg19) VCF-style: chr2-179633624-GC-G.
Other names: c.8938del, p.Ala2980fs (NM_001256850.1, NM_133378.4, NM_133379.5); c.8800del, p.Ala2934fs (NM_003319.4, NM_133432.3, NM_133437.4); short protein forms A2934fs, A2980fs.
Identifiers: ClinVar variation 2953909 (VCV002953909.3), dbSNP rs2532405325, ClinGen allele CA2740096296.
Genomic context (GRCh38, chr2:178,768,897, plus strand): 5'-TTGTAAGAGATGCCTTCATAGTTCACTGTCACCTCAAAAGTAATAGTGTCTTTTTCTTCA[GC>G]GTTGATGTCTTTCAGCATGGAAGTAATCATGATTGCTGCAAAGGAGAAAAGAAAAAACAC-3'